The following is an entry in ClinVar:

NM_058195.4(CDKN2A):c.96G>A (p.Gly32=)

Gene: CDKN2A (cyclin dependent kinase inhibitor 2A; minus strand). Cytogenetic location: 9p21.3.
Variant type: single nucleotide variant.
Coding change: c.96G>A on transcript NM_058195.4 (MANE Plus Clinical); coding-DNA position 96, G replaced by A.
Protein change: p.Gly32=; no amino-acid change (glycine 32 retained).
Molecular consequence: synonymous variant. On other transcripts: intron variant (1).
Genome position (GRCh38, 1-based): chr9:21,994,236, C>T on the plus strand (G>A on the coding strand, the complement: CDKN2A is on the minus strand). VCF-style: chr9-21994236-C-T. GRCh37 (hg19) VCF-style: chr9-21994235-C-T.
Other names: c.-4+585G>A (NM_001363763.2).
Identifiers: ClinVar variation 1767890 (VCV001767890.3), dbSNP rs1377694446, ClinGen allele CA464100323.
Genomic context (GRCh38, chr9:21,994,236, plus strand): 5'-GCTCCTCAGTAGCATCAGCACGAGGGCCACAGCGGCGGGCGCCCCTGGCGCTGCCCACTC[C>T]CCCGTGAGCCGCGGGATGTGAACCACGAAAACCCTCACTCGCGGCGGGCCGCACGCGCGC-3'
Protein context (NP_478102.2, residues 22-42): VFVVHIPRLT[Gly32=]EWAAPGAPAA

ClinVar aggregate classification (germline): Benign/Likely benign. Review status: criteria provided, multiple submitters, no conflicts (2 of 4 stars). 2 submissions from 2 submitters: Benign (1); Likely benign (1). Last evaluated 2025-08-12.

Conditions:
Hereditary cancer-predisposing syndrome. Also called: Hereditary neoplastic syndrome; Neoplastic Syndromes, Hereditary; Tumor predisposition; Hereditary Cancer Syndrome. Identifiers: Orphanet 140162, MedGen C0027672, MeSH D009386, MONDO:0015356.
Melanoma-pancreatic cancer syndrome. Identifiers: Orphanet 404560, MedGen C1838547, MONDO:0011713, OMIM 606719. Disease mechanism: loss of function.

gnomAD v4.1: 2 of 1,606,288 alleles (0.00012%); highest among the groups gnomAD compares: Non-Finnish European, 0.00017%; no homozygotes.

Submissions (2):

Myriad Genetics, Inc.
Classification: Benign for Melanoma-pancreatic cancer syndrome. Last evaluated: 2025-08-12. Review status: criteria provided, single submitter. Criteria: Myriad Autosomal Dominant, Autosomal Recessive and X-Linked Classification Criteria (2023). Collection method: clinical testing. Allele origin: unknown.
Comment: This variant is considered benign. This variant is a silent/synonymous amino acid change and it is not expected to impact splicing.

Ambry Genetics
Classification: Likely benign for Hereditary cancer-predisposing syndrome. Last evaluated: 2020-02-25. Review status: criteria provided, single submitter. Criteria: Ambry Variant Classification Scheme 2023. Collection method: clinical testing. Allele origin: germline.